The following is an entry in ClinVar:

NM_005560.6(LAMA5):c.6165+9G>A

Gene: LAMA5 (laminin subunit alpha 5; minus strand). Cytogenetic location: 20q13.33.
Variant type: single nucleotide variant.
Coding change: c.6165+9G>A on transcript NM_005560.6 (MANE Select); 9 bases into the intron after coding-DNA position 6165, G replaced by A.
Molecular consequence: intron variant.
Genome position (GRCh38, 1-based): chr20:62,322,649, C>T on the plus strand (G>A on the coding strand, the complement: LAMA5 is on the minus strand). VCF-style: chr20-62322649-C-T. GRCh37 (hg19) VCF-style: chr20-60897705-C-T.
Other names: c.6165+9G>A (NM_005560.4).
Identifiers: ClinVar variation 1572429 (VCV001572429.11), dbSNP rs772889170, ClinGen allele CA9941867.

ClinVar aggregate classification (germline): Likely benign. Review status: criteria provided, multiple submitters, no conflicts (2 of 4 stars). 3 submissions from 3 submitters: Likely benign (2). 1 of the submissions does not count toward it. Last evaluated 2025-06-13.

Conditions:
LAMA5-related disorder. Also called: LAMA5-Related Disorders; LAMA5-related condition.

Allele frequency attached by ClinVar (database versions not stated): ExAC 0.00009; gnomAD 0.00021 and 0.00023; gnomAD exomes 0.00025.
gnomAD v4.1: 317 of 1,520,570 alleles (0.021%); highest among the groups gnomAD compares: Non-Finnish European, 0.025%; no homozygotes.

Submissions (3):

Labcorp Genetics (formerly Invitae), Labcorp
Classification: Likely benign. Last evaluated: 2025-06-13. Review status: criteria provided, single submitter. Criteria: Invitae Variant Classification Sherloc (09022015). Collection method: clinical testing. Allele origin: germline.

Blueprint Genetics
Classification: Likely benign. Last evaluated: 2024-10-09. Review status: criteria provided, single submitter. Criteria: ACMG Guidelines, 2015. Collection method: clinical testing. Allele origin: germline.

PreventionGenetics, part of Exact Sciences
Classification: Likely benign for LAMA5-related condition. Last evaluated: 2019-03-28. Review status: no assertion criteria provided. Collection method: clinical testing. Allele origin: germline. Not counted in ClinVar's aggregate classification.
Comment: This variant is classified as likely benign based on ACMG/AMP sequence variant interpretation guidelines (Richards et al. 2015 PMID: 25741868, with internal and published modifications).